The following is an entry in ClinVar:

NM_172201.2(KCNE2):c.281A>G (p.Glu94Gly)

Genes: KCNE2 (potassium voltage-gated channel subfamily E regulatory subunit 2; plus strand), LOC105372791 (uncharacterized LOC105372791; minus strand). Cytogenetic location: 21q22.11.
Variant type: single nucleotide variant.
Coding change: c.281A>G on transcript NM_172201.2 (MANE Select); coding-DNA position 281, A replaced by G.
Protein change: p.Glu94Gly; replaces glutamic acid 94 with glycine.
Molecular consequence: missense variant.
Genome position (GRCh38, 1-based): chr21:34,370,759, A>G. VCF-style: chr21-34370759-A-G. GRCh37 (hg19) VCF-style: chr21-35743058-A-G.
Other names: c.281A>G (LRG_291t1); short protein forms E94G.
Identifiers: ClinVar variation 67618 (VCV000067618.8), dbSNP rs74424227, ClinGen allele CA329753.

ClinVar aggregate classification (germline): Conflicting classifications of pathogenicity. Review status: criteria provided, conflicting classifications (1 of 4 stars). 3 submissions from 3 submitters: Uncertain significance (1); Likely benign (1). 1 of the submissions does not count toward it. Last evaluated 2023-10-31.

Conditions:
Cardiovascular phenotype. Identifiers: MedGen CN230736.
Familial long QT syndrome (RWS). Also called: Congenital long QT syndrome; Romano-Ward syndrome; VENTRICULAR FIBRILLATION WITH PROLONGED QT INTERVAL. Identifiers: Orphanet 768, MedGen C1141890, MONDO:0019171.
Long QT syndrome 6 (LQT6). Identifiers: Orphanet 101016, Orphanet 768, MedGen C3150953, MONDO:0013370, OMIM 613693.

Allele frequency attached by ClinVar (database versions not stated): gnomAD 0.00002; TOPMed 0.00002; gnomAD exomes 0.00010; ExAC 0.00052.

Submissions (3):

Ambry Genetics
Classification: Likely benign for Cardiovascular phenotype. Last evaluated: 2023-10-31. Review status: criteria provided, single submitter. Criteria: Ambry Variant Classification Scheme 2023. Collection method: clinical testing. Allele origin: germline.

Labcorp Genetics (formerly Invitae), Labcorp
Classification: Uncertain significance for Long QT syndrome 6. Last evaluated: 2022-10-07. Review status: criteria provided, single submitter. Criteria: Invitae Variant Classification Sherloc (09022015). Collection method: clinical testing. Allele origin: germline.
Comment: In summary, the available evidence is currently insufficient to determine the role of this variant in disease. Therefore, it has been classified as a Variant of Uncertain Significance. Algorithms developed to predict the effect of missense changes on protein structure and function output the following: SIFT: "Tolerated"; PolyPhen-2: "Benign"; Align-GVGD: "Class C0". The glycine amino acid residue is found in multiple mammalian species, which suggests that this missense change does not adversely affect protein function. ClinVar contains an entry for this variant (Variation ID: 67618). This missense change has been observed in individual(s) with clinical features of long QT syndrome (PMID: 19716085, 28794082). The frequency data for this variant in the population databases is considered unreliable, as metrics indicate poor data quality at this position in the gnomAD database. This sequence change replaces glutamic acid, which is acidic and polar, with glycine, which is neutral and non-polar, at codon 94 of the KCNE2 protein (p.Glu94Gly).

Cardiovascular Biomedical Research Unit, Royal Brompton & Harefield NHS Foundation Trust
No classification provided. Condition: Familial long QT syndrome. Review status: no classification provided. Collection method: literature only. Allele origin: germline. Not counted in ClinVar's aggregate classification.
Comment: This variant has been reported as associated with Long QT syndrome in the following publications (PMID:19716085). This is a literature report, and does not necessarily reflect the clinical interpretation of the Imperial College / Royal Brompton Cardiovascular Genetics laboratory.

Literature cited by the submitters: PubMed 19716085 (cited by 3 submitters); PubMed 28794082 (cited by Ambry Genetics and Labcorp Genetics (formerly Invitae), Labcorp); PubMed 22581653 (cited by Cardiovascular Biomedical Research Unit, Royal Brompton & Harefield NHS Foundation Trust).